The following is an entry in ClinVar:

ClinVar aggregate classification (germline): Uncertain significance (1 of 4 stars; one submission).

Conditions:
Epilepsy, X-linked 1, with variable learning disabilities and behavior disorders. Also called: X-linked epilepsy-learning disabilities-behavior disorders syndrome. Identifiers: Orphanet 85294, MedGen C5774177, MONDO:0010339, OMIM 300491.

Submission:

Labcorp Genetics (formerly Invitae), Labcorp
Classification: Uncertain significance for Epilepsy, X-linked 1, with variable learning disabilities and behavior disorders. Last evaluated: 2024-12-02. Review status: criteria provided, single submitter. Criteria: Invitae Variant Classification Sherloc (09022015). Collection method: clinical testing. Allele origin: germline.
Comment: This sequence change replaces proline, which is neutral and non-polar, with serine, which is neutral and polar, at codon 552 of the SYN1 protein (p.Pro552Ser). The frequency data for this variant in the population databases is considered unreliable, as metrics indicate insufficient coverage at this position in the gnomAD database. This variant has not been reported in the literature in individuals affected with SYN1-related conditions. ClinVar contains an entry for this variant (Variation ID: 2151823). Experimental studies and prediction algorithms are not available or were not evaluated, and the functional significance of this variant is currently unknown. In summary, the available evidence is currently insufficient to determine the role of this variant in disease. Therefore, it has been classified as a Variant of Uncertain Significance.

NM_006950.3(SYN1):c.1654C>T (p.Pro552Ser)

Gene: SYN1 (synapsin I; minus strand). Cytogenetic location: Xp11.3.
Variant type: single nucleotide variant.
Coding change: c.1654C>T on transcript NM_006950.3 (MANE Select); coding-DNA position 1654, C replaced by T.
Protein change: p.Pro552Ser; replaces proline 552 with serine.
Molecular consequence: missense variant.
Genome position (GRCh38, 1-based): chrX:47,574,330, G>A on the plus strand (C>T on the coding strand, the complement: SYN1 is on the minus strand). VCF-style: chrX-47574330-G-A. GRCh37 (hg19) VCF-style: chrX-47433729-G-A.
Other names: c.1654C>T, p.Pro552Ser (NM_133499.2); short protein forms P552S.
Identifiers: ClinVar variation 2151823 (VCV002151823.4), dbSNP rs2519684828, ClinGen allele CA412823002.